The following is an entry in ClinVar:

NM_145178.4(ATOH7):c.121_144del (p.Arg41_Arg48del)

Gene: ATOH7 (atonal bHLH transcription factor 7; minus strand). Cytogenetic location: 10q21.3.
Variant type: Deletion.
Coding change: c.121_144del on transcript NM_145178.4 (MANE Select); coding-DNA positions 121 to 144, 24 bases deleted (AGGCGCCTGGCGGCCAACGCGCGC).
Protein change: p.Arg41_Arg48del.
Molecular consequence: inframe deletion.
Genome position (GRCh38, 1-based): chr10:68,231,534-68,231,557, GCGCGCGTTGGCCGCCAGGCGCCT deleted on the plus strand (AGGCGCCTGGCGGCCAACGCGCGC on the coding strand, the reverse complement: ATOH7 is on the minus strand); deleting any 24 consecutive bases within chr10:68,231,534-68,231,563 gives the same sequence; the c. name uses the placement nearest the transcript's 3' end. VCF-style (leftmost placement, unchanged base first): chr10-68231533-CGCGCGCGTTGGCCGCCAGGCGCCT-C. GRCh37 (hg19) VCF-style: chr10-69991290-CGCGCGCGTTGGCCGCCAGGCGCCT-C.
Identifiers: ClinVar variation 1034468 (VCV001034468.9), dbSNP rs746925570, ClinGen allele CA5523387.
Genomic context (GRCh38, chr10:68,231,533, plus strand): 5'-GGGGAACCACCCTGCGTAAGCGGTCGAAGGCAGTGTTGAGCCCCTGCATGCGGCGGCGCT[CGCGCGCGTTGGCCGCCAGGCGCCT>C]GCGCGCCGCGCTCTCCAGCCGCCCGGCCCCGGCGCACGTGCCCGCGCACTCGGTGCCGCC-3'

ClinVar aggregate classification (germline): Uncertain significance. Review status: criteria provided, multiple submitters, no conflicts (2 of 4 stars). 2 submissions from 2 submitters: Uncertain significance (2). Last evaluated 2024-10-21.

Submissions (2):

Labcorp Genetics (formerly Invitae), Labcorp
Classification: Uncertain significance. Last evaluated: 2024-10-21. Review status: criteria provided, single submitter. Criteria: Invitae Variant Classification Sherloc (09022015). Collection method: clinical testing. Allele origin: germline.
Comment: This variant, c.121_144del, results in the deletion of 8 amino acid(s) of the ATOH7 protein (p.Arg41_Arg48del), but otherwise preserves the integrity of the reading frame. This variant is present in population databases (rs746925570, gnomAD 0.06%). This variant has been observed in individual(s) with clinical features of ATOH7-related conditions (PMID: 26933893, 29851533). ClinVar contains an entry for this variant (Variation ID: 1034468). Algorithms developed to predict the effect of variants on gene product structure and function are not available or were not evaluated for this variant. Experimental studies have shown that this variant affects ATOH7 function (PMID: 35162975). In summary, the available evidence is currently insufficient to determine the role of this variant in disease. Therefore, it has been classified as a Variant of Uncertain Significance.

Blueprint Genetics
Classification: Uncertain significance. Last evaluated: 2021-12-10. Review status: criteria provided, single submitter. Criteria: ACMG Guidelines, 2015. Collection method: clinical testing. Allele origin: germline.

Literature cited by the submitters: PubMed 26933893 (cited by Labcorp Genetics (formerly Invitae), Labcorp); PubMed 29851533 (cited by Labcorp Genetics (formerly Invitae), Labcorp); PubMed 35162975 (cited by Labcorp Genetics (formerly Invitae), Labcorp).